The following is an entry in ClinVar:

ClinVar aggregate classification (germline): Likely pathogenic (1 of 4 stars; one submission).

Conditions:
Atypical hemolytic-uremic syndrome. Identifiers: Orphanet 2134, MedGen C2931788, MONDO:0016244.

Submission:

Genomenon, Inc
Classification: Likely pathogenic for Atypical hemolytic-uremic syndrome. Last evaluated: 2025-09-26. Review status: criteria provided, single submitter. Criteria: Genomenon Sequence Variant Interpretation Standards - Updated. Collection method: curation. Allele origin: germline. Affected: yes.
Comment: CFI p.Cys229Arg (c.685T>C) is a missense variant that changes the amino acid at residue 229 from Cysteine to Arginine. This variant has been observed in at least one proband affected with atypical hemolytic-uremic syndrome (PMID:32510551;28295239). At least one functional study has demonstrated a substantial alteration in protein function relative to the wild-type (PMID:32510551). It is absent or not present at a significant frequency in gnomAD. In silico models agree that this variant is possibly or probably damaging. In conclusion, we classify CFI p.Cys229Arg (c.685T>C) as a likely pathogenic variant.

Literature cited by the submitters: PubMed 32510551; 28295239.

NM_000204.5(CFI):c.685T>C (p.Cys229Arg)

Gene: CFI (complement factor I; minus strand). Cytogenetic location: 4q25.
Variant type: single nucleotide variant.
Coding change: c.685T>C on transcript NM_000204.5 (MANE Select); coding-DNA position 685, T replaced by C.
Protein change: p.Cys229Arg; replaces cysteine 229 with arginine.
Molecular consequence: missense variant. On other transcripts: non-coding transcript variant (3).
Genome position (GRCh38, 1-based): chr4:109,760,610, A>G on the plus strand (T>C on the coding strand, the complement: CFI is on the minus strand). VCF-style: chr4-109760610-A-G. GRCh37 (hg19) VCF-style: chr4-110681766-A-G.
Other names: c.685T>C, p.Cys229Arg (NM_001318057.2, NM_001331035.2, NM_001375278.1 and 10 more transcripts); c.76T>C, p.Cys26Arg (NM_001375284.1); short protein forms C229R, C26R.
Identifiers: ClinVar variation 4280434 (VCV004280434.1).